The following is an entry in ClinVar:

ClinVar aggregate classification (germline): Uncertain significance (1 of 4 stars; one submission).

Submission:

Labcorp Genetics (formerly Invitae), Labcorp
Classification: Uncertain significance. Last evaluated: 2023-06-04. Review status: criteria provided, single submitter. Criteria: Invitae Variant Classification Sherloc (09022015). Collection method: clinical testing. Allele origin: germline.
Comment: This variant is not present in population databases (gnomAD no frequency). In summary, the available evidence is currently insufficient to determine the role of this variant in disease. Therefore, it has been classified as a Variant of Uncertain Significance. Advanced modeling of protein sequence and biophysical properties (such as structural, functional, and spatial information, amino acid conservation, physicochemical variation, residue mobility, and thermodynamic stability) performed at Invitae indicates that this missense variant is not expected to disrupt SRP72 protein function. This variant has not been reported in the literature in individuals affected with SRP72-related conditions. This sequence change replaces alanine, which is neutral and non-polar, with serine, which is neutral and polar, at codon 226 of the SRP72 protein (p.Ala226Ser).

NM_006947.4(SRP72):c.676G>T (p.Ala226Ser)

Gene: SRP72 (signal recognition particle 72; plus strand). Cytogenetic location: 4q12.
Variant type: single nucleotide variant.
Coding change: c.676G>T on transcript NM_006947.4 (MANE Select); coding-DNA position 676, G replaced by T.
Protein change: p.Ala226Ser; replaces alanine 226 with serine.
Molecular consequence: missense variant. On other transcripts: non-coding transcript variant (1), intron variant (1).
Genome position (GRCh38, 1-based): chr4:56,478,412, G>T. VCF-style: chr4-56478412-G-T. GRCh37 (hg19) VCF-style: chr4-57344578-G-T.
Other names: c.642+1710G>T (NM_001267722.2); short protein forms A226S.
Identifiers: ClinVar variation 2769011 (VCV002769011.3), dbSNP rs2545754876, ClinGen allele CA356997819.
Genomic context (GRCh38, chr4:56,478,412, plus strand): 5'-TATGGGAAAAACATTTCTTTCTCTTAGGATGGGACTGAGGAAGACCCACAGGCAGAACTG[G>T]CCATCATTCATGGTCAGATGGCTTATATTCTGCAGCTTCAGGGTCGAACAGAGGAGGCTT-3'
Protein context (NP_008878.3, residues 216-236): GTEEDPQAEL[Ala226Ser]IIHGQMAYIL